The following is an entry in ClinVar:

NM_014362.4(HIBCH):c.832G>A (p.Glu278Lys)

Gene: HIBCH (3-hydroxyisobutyryl-CoA hydrolase; minus strand). Cytogenetic location: 2q32.2.
Variant type: single nucleotide variant.
Coding change: c.832G>A on transcript NM_014362.4 (MANE Select); coding-DNA position 832, G replaced by A.
Protein change: p.Glu278Lys; replaces glutamic acid 278 with lysine.
Molecular consequence: missense variant.
Genome position (GRCh38, 1-based): chr2:190,244,946, C>T on the plus strand (G>A on the coding strand, the complement: HIBCH is on the minus strand). VCF-style: chr2-190244946-C-T. GRCh37 (hg19) VCF-style: chr2-191109672-C-T.
Other names: c.832G>A, p.Glu278Lys (NM_198047.3); c.832G>A (NM_014362.3); short protein forms E278K.
Identifiers: ClinVar variation 2141275 (VCV002141275.3), dbSNP rs778325186, ClinGen allele CA2027465.

ClinVar aggregate classification (germline): Uncertain significance. Review status: criteria provided, multiple submitters, no conflicts (2 of 4 stars). 2 submissions from 2 submitters: Uncertain significance (2). Last evaluated 2025-08-06.

Conditions:
Inborn genetic diseases. Identifiers: MedGen C0950123, MeSH D030342.
3-hydroxyisobutyryl-CoA hydrolase deficiency. Also called: HIBCH DEFICIENCY; METHACRYLIC ACID TOXICITY; METHACRYLIC ACIDURIA; VALINE METABOLIC DEFECT; Reduced circulating 3-hydroxyisobutyryl-CoA hydrolase activity; Deficiency of 3-hydroxyisobutyryl CoA hydrolase. Identifiers: Orphanet 88639, MedGen C0342738, MONDO:0009603, OMIM 250620, HP:6000215.

Allele frequency attached by ClinVar (database versions not stated): gnomAD exomes 0.00001; TOPMed 0.00001; ExAC 0.00002.
gnomAD v4.1: 7 of 1,608,534 alleles (0.00044%); highest among the groups gnomAD compares: Non-Finnish European, 0.0006%; no homozygotes.

Submissions (2):

Ambry Genetics
Classification: Uncertain significance for Inborn genetic diseases. Last evaluated: 2025-08-06. Review status: criteria provided, single submitter. Criteria: Ambry Variant Classification Scheme 2023. Collection method: clinical testing. Allele origin: germline.
Comment: The c.832G>A (p.E278K) alteration is located in exon 11 (coding exon 11) of the HIBCH gene. This alteration results from a G to A substitution at nucleotide position 832, causing the glutamic acid (E) at amino acid position 278 to be replaced by a lysine (K). Based on data from gnomAD, the A allele has an overall frequency of 0.001% (2/251222) total alleles studied. The highest observed frequency was 0.002% (2/113572) of European (non-Finnish) alleles. This amino acid position is highly conserved in available vertebrate species. This alteration is predicted to be deleterious by in silico analysis. Based on insufficient or conflicting evidence, the clinical significance of this alteration remains unclear.

Labcorp Genetics (formerly Invitae), Labcorp
Classification: Uncertain significance for 3-hydroxyisobutyryl-CoA hydrolase deficiency. Last evaluated: 2022-06-03. Review status: criteria provided, single submitter. Criteria: Invitae Variant Classification Sherloc (09022015). Collection method: clinical testing. Allele origin: germline.
Comment: This sequence change replaces glutamic acid, which is acidic and polar, with lysine, which is basic and polar, at codon 278 of the HIBCH protein (p.Glu278Lys). This variant is present in population databases (rs778325186, gnomAD 0.002%). This variant has not been reported in the literature in individuals affected with HIBCH-related conditions. Algorithms developed to predict the effect of missense changes on protein structure and function (SIFT, PolyPhen-2, Align-GVGD) all suggest that this variant is likely to be disruptive. Algorithms developed to predict the effect of sequence changes on RNA splicing suggest that this variant may disrupt the consensus splice site. In summary, the available evidence is currently insufficient to determine the role of this variant in disease. Therefore, it has been classified as a Variant of Uncertain Significance.